The following is an entry in ClinVar:

NM_024675.4(PALB2):c.2267G>A (p.Cys756Tyr)

Gene: PALB2 (partner and localizer of BRCA2; minus strand). Cytogenetic location: 16p12.2.
Variant type: single nucleotide variant.
Coding change: c.2267G>A on transcript NM_024675.4 (MANE Select); coding-DNA position 2267, G replaced by A.
Protein change: p.Cys756Tyr; replaces cysteine 756 with tyrosine.
Molecular consequence: missense variant.
Genome position (GRCh38, 1-based): chr16:23,629,887, C>T on the plus strand (G>A on the coding strand, the complement: PALB2 is on the minus strand). VCF-style: chr16-23629887-C-T. GRCh37 (hg19) VCF-style: chr16-23641208-C-T.
Other names: short protein forms C756Y.
Identifiers: ClinVar variation 530136 (VCV000530136.27), dbSNP rs925044785, ClinGen allele CA279492499.

ClinVar aggregate classification (germline): Conflicting classifications of pathogenicity. Review status: criteria provided, conflicting classifications (1 of 4 stars). 9 submissions from 9 submitters: Uncertain significance (5); Likely benign (3). 1 of the submissions does not count toward it. Last evaluated 2026-10-01.

Conditions:
Familial cancer of breast. Also called: Hereditary breast cancer; hereditary breast carcinoma; BREAST CANCER, FAMILIAL. Identifiers: Orphanet 227535, MedGen C0346153, MONDO:0016419, OMIM 114480. Disease mechanism: loss of function.
Hereditary cancer-predisposing syndrome. Also called: Hereditary Cancer Syndrome; Neoplastic Syndromes, Hereditary; Hereditary neoplastic syndrome; Tumor predisposition. Identifiers: Orphanet 140162, MedGen C0027672, MeSH D009386, MONDO:0015356.

Allele frequency attached by ClinVar (database versions not stated): TOPMed below 0.00001.

Submissions (9):

St. Jude Molecular Pathology, St. Jude Children's Research Hospital
Classification: Uncertain significance for Familial cancer of breast. Last evaluated: 2026-10-01. Review status: criteria provided, single submitter. Criteria: St. Jude Assertion Criteria 2020. Collection method: clinical testing. Allele origin: germline.
Comment: The PALB2 c.2267G>A p.(Cys756Tyr) missense change is absent in gnomAD v2.1.1. The in silico tool REVEL predicts a benign effect on protein function, but to our knowledge this prediction has not been confirmed by funct ional studies. To our knowledge, this variant has not been reported as pathogenic in individuals with PALB2-associated conditions. In summary, the evidence currently available is insufficient to determine the clinical significance of this variant. It has therefore been classified as of uncertain significance.

Labcorp Genetics (formerly Invitae), Labcorp
Classification: Likely benign for Familial cancer of breast. Last evaluated: 2025-10-14. Review status: criteria provided, single submitter. Criteria: Invitae Variant Classification Sherloc (09022015). Collection method: clinical testing. Allele origin: germline.

Quest Diagnostics Nichols Institute San Juan Capistrano
Classification: Uncertain significance. Last evaluated: 2025-08-27. Review status: criteria provided, single submitter. Criteria: Quest Diagnostics criteria. Collection method: clinical testing. Allele origin: unknown.
Comment: The PALB2 c.2267G>A (p.Cys756Tyr) variant has been reported in the published literature in reportedly unaffected individuals (PMID: 33471991 (2021), see also LOVD). This variant has not been reported in large, multi-ethnic general populations (Genome Aggregation Database). Analysis of this variant using bioinformatics tools for the prediction of the effect of amino acid changes on protein structure and function yielded predictions that this variant is benign. Based on the available information, we are unable to determine the clinical significance of this variant.

Molecular Pathology, Peter Maccallum Cancer Centre
Classification: Uncertain significance for Familial cancer of breast. Last evaluated: 2024-10-10. Review status: criteria provided, single submitter. Criteria: ACMG Guidelines, 2015. Collection method: clinical testing. Allele origin: germline. Inheritance: Autosomal dominant inheritance.

GeneDx
Classification: Uncertain significance. Last evaluated: 2024-06-12. Review status: criteria provided, single submitter. Criteria: GeneDx Variant Classification Process June 2021. Collection method: clinical testing. Allele origin: germline. Affected: yes.
Comment: Not observed at significant frequency in large population cohorts (gnomAD); In silico analysis indicates that this missense variant does not alter protein structure/function; Has not been previously published as pathogenic or benign to our knowledge; This variant is associated with the following publications: (PMID: 22941656)

Ambry Genetics
Classification: Likely benign for Hereditary cancer-predisposing syndrome. Last evaluated: 2024-03-27. Review status: criteria provided, single submitter. Criteria: Ambry Variant Classification Scheme 2023. Collection method: clinical testing. Allele origin: germline.

Color Diagnostics, LLC DBA Color Health
Classification: Likely benign for Hereditary cancer-predisposing syndrome. Last evaluated: 2023-01-24. Review status: criteria provided, single submitter. Criteria: ACMG Guidelines, 2015. Collection method: clinical testing. Allele origin: germline.

Revvity Omics, Revvity
Classification: Uncertain significance. Last evaluated: 2021-08-06. Review status: criteria provided, single submitter. Criteria: ACMG Guidelines, 2015. Collection method: clinical testing. Allele origin: germline.

Leiden Open Variation Database
Classification: Uncertain significance. Last evaluated: 2019-05-13. Review status: no assertion criteria provided. Collection method: curation. Allele origin: germline. Affected: yes. Not counted in ClinVar's aggregate classification.
Comment: Curators: Marc Tischkowitz, Arleen D. Auerbach. Submitter to LOVD: Andreas Laner.

Literature cited by the submitters: PubMed 33471991 (cited by Quest Diagnostics Nichols Institute San Juan Capistrano).